The following is an entry in ClinVar:

NM_021971.4(GMPPB):c.95C>T (p.Pro32Leu)

Gene: GMPPB (GDP-mannose pyrophosphorylase B; minus strand). Cytogenetic location: 3p21.31.
Variant type: single nucleotide variant.
Coding change: c.95C>T on transcript NM_021971.4 (MANE Select); coding-DNA position 95, C replaced by T.
Protein change: p.Pro32Leu; replaces proline 32 with leucine.
Molecular consequence: missense variant.
Genome position (GRCh38, 1-based): chr3:49,723,632, G>A on the plus strand (C>T on the coding strand, the complement: GMPPB is on the minus strand). VCF-style: chr3-49723632-G-A. GRCh37 (hg19) VCF-style: chr3-49761065-G-A.
Other names: c.95C>T, p.Pro32Leu (NM_013334.4); short protein forms P32L.
Identifiers: ClinVar variation 60544 (VCV000060544.13), dbSNP rs397509426, ClinGen allele CA090934.

ClinVar aggregate classification (germline): Pathogenic. Review status: criteria provided, multiple submitters, no conflicts (2 of 4 stars). 6 submissions from 6 submitters: Pathogenic (5). 1 of the submissions does not count toward it. Last evaluated 2025-06-24.

Conditions:
GMPPB-related disorder. Also called: GMPPB-related disorders; GMPPB-related condition.
Autosomal recessive limb-girdle muscular dystrophy type 2T. Also called: MUSCULAR DYSTROPHY, LIMB-GIRDLE, TYPE 2T; Muscular dystrophy-dystroglycanopathy (limb-girdle), type c, 14; Limb-girdle muscular dystrophy-dystroglycanopathy, type C14; MUSCULAR DYSTROPHY-DYSTROGLYCANOPATHY, LIMB-GIRDLE, GMPPB-RELATED. Identifiers: Orphanet 363623, MedGen C4518000, MONDO:0014142, OMIM 615352.
Muscular dystrophy-dystroglycanopathy (congenital with brain and eye anomalies), type A14. Also called: Muscular dystrophy-dystroglycanopathy (congenital with brain and eye anomalies), type a, 14; Congenital Muscular Dystrophy-Dystroglycanopathy with Brain and Eye Anomalies Type A 14; Congenital muscular dystrophy-dystroglycanopathy with brain and eye anomalies, type A14; WALKER-WARBURG SYNDROME OR MUSCLE-EYE-BRAIN DISEASE, GMPPB-RELATED. Identifiers: Orphanet 588, MedGen C3809216, MONDO:0014140, OMIM 615350.
Muscular dystrophy-dystroglycanopathy (congenital with impaired intellectual development), type B, 14. Also called: Muscular dystrophy-dystroglycanopathy (congenital with intellectual disability), type B14; Congenital muscular dystrophy-dystroglycanopathy with mental retardation, type B14; MUSCULAR DYSTROPHY, CONGENITAL, GMPPB-RELATED. Identifiers: MedGen C3809221, MONDO:0014141, OMIM 615351.

Allele frequency attached by ClinVar (database versions not stated): gnomAD 0.00001; TOPMed 0.00004; gnomAD exomes 0.00008; ExAC 0.00012.
gnomAD v4.1: 110 of 1,584,344 alleles (0.0069%); highest among the groups gnomAD compares: Admixed American, 0.012%; no homozygotes.

Submissions (6):

PreventionGenetics, part of Exact Sciences
Classification: Pathogenic for GMPPB-related condition. Last evaluated: 2025-06-24. Review status: criteria provided, single submitter. Criteria: ACMG Guidelines, 2015. Collection method: clinical testing. Allele origin: germline.
Comment: The GMPPB c.95C>T variant is predicted to result in the amino acid substitution p.Pro32Leu. This variant has been reported in the compound heterozygous state with a second disease-causing variant in multiple individuals with autosomal recessive GMPPB-associated dystroglycanopathy (Carss et al. 2013. PubMed ID: 23768512; Cabrera-Serrano et al. 2015. PubMed ID: 25681410; Sarkozy et al. 2018. PubMed ID: 29437916; Astrea et al. 2018. PubMed ID: 30257713; Jewett et al. 2024. PubMed ID: 37681231). In vitro functional studies demonstrated that this variant led to hypoglycosylation of α-dystroglycan in patient fibroblasts, formation of protein aggregates in transformed C2C12 myoblasts, and greatly reduced enzymatic activity (~10%) relative to wild type (Carss et al. 2013. PubMed ID: 23768512; Liu et al. 2022. PubMed ID: 35006422). Further complementation studies in GMPPB-deficient zebrafish found that p.Pro32Leu-GMPPB was also unable to rescue enzymatic activity or defects of axonal development (Liu et al. 2022. PubMed ID: 35006422). This variant is reported in 0.0087% of alleles in individuals of European (non-Finnish) descent in gnomAD. An alternate missense substitution of the same amino acid (p.Pro32Ser) has also been reported in at least one individual with clinical features of GMPBB-associated dystroglycanopathy and shown to result in reduced enzymatic activity (Jensen et al. 2015. PubMed ID: 26310427; Gonorazky et al. 2019. PubMed ID: 30827497). Taken together, the p.Pro32Leu variant is interpreted as pathogenic.

Revvity Omics, Revvity
Classification: Pathogenic. Last evaluated: 2025-06-19. Review status: criteria provided, single submitter. Criteria: ACMG Guidelines, 2015. Collection method: clinical testing. Allele origin: germline.

Labcorp Genetics (formerly Invitae), Labcorp
Classification: Pathogenic for Autosomal recessive limb-girdle muscular dystrophy type 2T; Muscular dystrophy-dystroglycanopathy (congenital with brain and eye anomalies), type A14; Muscular dystrophy-dystroglycanopathy (congenital with impaired intellectual development), type B, 14. Last evaluated: 2025-04-29. Review status: criteria provided, single submitter. Criteria: Invitae Variant Classification Sherloc (09022015). Collection method: clinical testing. Allele origin: germline.
Comment: This sequence change replaces proline, which is neutral and non-polar, with leucine, which is neutral and non-polar, at codon 32 of the GMPPB protein (p.Pro32Leu). This variant is present in population databases (rs397509426, gnomAD 0.02%). This missense change has been observed in individual(s) with GMPPB-related conditions (PMID: 23768512, 25681410, 28554332, 30257713). In at least one individual the data is consistent with being in trans (on the opposite chromosome) from a pathogenic variant. ClinVar contains an entry for this variant (Variation ID: 60544). Invitae Evidence Modeling of protein sequence and biophysical properties (such as structural, functional, and spatial information, amino acid conservation, physicochemical variation, residue mobility, and thermodynamic stability) indicates that this missense variant is expected to disrupt GMPPB protein function with a positive predictive value of 80%. Experimental studies have shown that this missense change affects GMPPB function (PMID: 23768512). For these reasons, this variant has been classified as Pathogenic.

GeneDx
Classification: Pathogenic. Last evaluated: 2024-01-12. Review status: criteria provided, single submitter. Criteria: GeneDx Variant Classification Process June 2021. Collection method: clinical testing. Allele origin: germline. Affected: yes.
Comment: Published functional studies demonstrate dysfunctional GMPPB protein as the P32L variant caused the protein to form aggregates in the cytoplasm (PMID: 23768512); In silico analysis supports that this missense variant has a deleterious effect on protein structure/function; Missense variants in this gene are a common cause of disease and they are underrepresented in the general population; Not observed at significant frequency in large population cohorts (gnomAD); This variant is associated with the following publications: (PMID: 23768512, 26310427, 24780531, 33060286, 34749429, 19901254, 25681410, 28554332, 28456886, 29437916, 30257713, 37681231, 35006422)

HudsonAlpha Institute for Biotechnology
Classification: Pathogenic for Autosomal recessive limb-girdle muscular dystrophy type 2T. Last evaluated: 2015-01-13. Review status: criteria provided, single submitter. Criteria: HA_assertions_20161101. Collection method: research. Allele origin: paternal. Affected: yes. Observed: 1 variant allele. Study: CSER-HudsonAlpha.

OMIM
Classification: Pathogenic for MUSCULAR DYSTROPHY-DYSTROGLYCANOPATHY (CONGENITAL WITH IMPAIRED INTELLECTUAL DEVELOPMENT), TYPE B, 14. Last evaluated: 2013-07-11. Review status: no assertion criteria provided. Collection method: literature only. Allele origin: germline. Not counted in ClinVar's aggregate classification.

Literature cited by the submitters: PubMed 23768512 (cited by Labcorp Genetics (formerly Invitae), Labcorp and OMIM); PubMed 25681410 (cited by Labcorp Genetics (formerly Invitae), Labcorp); PubMed 28554332 (cited by Labcorp Genetics (formerly Invitae), Labcorp); PubMed 30257713 (cited by Labcorp Genetics (formerly Invitae), Labcorp); PubMed 19901254 (cited by OMIM).